The following is an entry in ClinVar:

NM_033360.4(KRAS):c.176C>T (p.Ala59Val)

Gene: KRAS (KRAS proto-oncogene, GTPase; minus strand). Cytogenetic location: 12p12.1.
Variant type: single nucleotide variant.
Coding change: c.176C>T on transcript NM_033360.4 (MANE Plus Clinical); coding-DNA position 176, C replaced by T.
Protein change: p.Ala59Val; replaces alanine 59 with valine.
Molecular consequence: missense variant.
Genome position (GRCh38, 1-based): chr12:25,227,348, G>A on the plus strand (C>T on the coding strand, the complement: KRAS is on the minus strand). VCF-style: chr12-25227348-G-A. GRCh37 (hg19) VCF-style: chr12-25380282-G-A.
Other names: c.176C>T, p.Ala59Val (LRG_344t2, LRG_344t1, NM_001369786.1 and 2 more transcripts); short protein forms A59V.
Identifiers: ClinVar variation 132969 (VCV000132969.2), dbSNP rs104886029, ClinGen allele CA269881.

ClinVar aggregate classification (germline): not provided (0 of 4 stars; one submission).

Conditions:
Familial cancer of breast. Also called: BREAST CANCER, FAMILIAL; hereditary breast carcinoma; Hereditary breast cancer. Identifiers: Orphanet 227535, MedGen C0346153, MONDO:0016419, OMIM 114480. Disease mechanism: loss of function.

Submission:

Laboratory of Translational Genomics,  National Cancer Institute
No classification provided. Condition: Familial cancer of breast. Review status: no classification provided. Collection method: not provided. Allele origin: somatic.
Comment: Breast Cancer specimen